The following is an entry in ClinVar:

ClinVar aggregate classification (germline): Uncertain significance (1 of 4 stars; one submission).

Conditions:
Charcot-Marie-Tooth disease type 2. Also called: Charcot-Marie-Tooth type 2. Identifiers: Orphanet 64746, MedGen C0270914, MONDO:0018993.

Submission:

Labcorp Genetics (formerly Invitae), Labcorp
Classification: Uncertain significance for Charcot-Marie-Tooth disease type 2. Last evaluated: 2024-10-07. Review status: criteria provided, single submitter. Criteria: Invitae Variant Classification Sherloc (09022015). Collection method: clinical testing. Allele origin: germline.
Comment: This sequence change replaces aspartic acid, which is acidic and polar, with histidine, which is basic and polar, at codon 272 of the LMNA protein (p.Asp272His). This variant is not present in population databases (gnomAD no frequency). This variant has not been reported in the literature in individuals affected with LMNA-related conditions. Invitae Evidence Modeling of protein sequence and biophysical properties (such as structural, functional, and spatial information, amino acid conservation, physicochemical variation, residue mobility, and thermodynamic stability) indicates that this missense variant is expected to disrupt LMNA protein function with a positive predictive value of 95%. In summary, the available evidence is currently insufficient to determine the role of this variant in disease. Therefore, it has been classified as a Variant of Uncertain Significance.

NM_170707.4(LMNA):c.814G>C (p.Asp272His)

Gene: LMNA (lamin A/C; plus strand). Cytogenetic location: 1q22.
Variant type: single nucleotide variant.
Coding change: c.814G>C on transcript NM_170707.4 (MANE Select); coding-DNA position 814, G replaced by C.
Protein change: p.Asp272His; replaces aspartic acid 272 with histidine.
Molecular consequence: missense variant.
Genome position (GRCh38, 1-based): chr1:156,135,190, G>C. VCF-style: chr1-156135190-G-C. GRCh37 (hg19) VCF-style: chr1-156104981-G-C.
Other names: c.478G>C, p.Asp160His (NM_001257374.3, NM_001406998.1, NM_001406989.1); c.571G>C, p.Asp191His (NM_001282624.2, NM_001406986.1, NM_001406987.1); c.814G>C, p.Asp272His (NM_001282625.2, NM_001282626.2, NM_001406983.1 and 6 more transcripts); c.256G>C, p.Asp86His (NM_001406995.1, NM_001406996.1, NM_001406997.1 and 4 more transcripts); c.150G>C, p.Trp50Cys (NM_001406999.1, NM_001407000.1, NM_001407001.1 and 1 more transcripts); c.517G>C, p.Asp173His (NM_001406988.1); short protein forms D86H, D160H, D173H, D191H, D272H, W50C.
Identifiers: ClinVar variation 3633631 (VCV003633631.2).